The following is an entry in ClinVar:

NM_005033.3(EXOSC9):c.1069G>C (p.Asp357His)

Gene: EXOSC9 (exosome component 9; plus strand). Cytogenetic location: 4q27.
Variant type: single nucleotide variant.
Coding change: c.1069G>C on transcript NM_005033.3 (MANE Select); coding-DNA position 1069, G replaced by C.
Protein change: p.Asp357His; replaces aspartic acid 357 with histidine.
Molecular consequence: missense variant.
Genome position (GRCh38, 1-based): chr4:121,813,960, G>C. VCF-style: chr4-121813960-G-C. GRCh37 (hg19) VCF-style: chr4-122735115-G-C.
Other names: c.1069G>C, p.Asp357His (NM_001034194.2); short protein forms D357H.
Identifiers: ClinVar variation 1447902 (VCV001447902.6), dbSNP rs1666237410, ClinGen allele CA358046235.

ClinVar aggregate classification (germline): Uncertain significance (1 of 4 stars; one submission).

Submission:

Labcorp Genetics (formerly Invitae), Labcorp
Classification: Uncertain significance. Last evaluated: 2021-11-24. Review status: criteria provided, single submitter. Criteria: Invitae Variant Classification Sherloc (09022015). Collection method: clinical testing. Allele origin: germline.
Comment: This sequence change replaces aspartic acid, which is acidic and polar, with histidine, which is basic and polar, at codon 357 of the EXOSC9 protein (p.Asp357His). This variant is not present in population databases (gnomAD no frequency). This variant has not been reported in the literature in individuals affected with EXOSC9-related conditions. Algorithms developed to predict the effect of missense changes on protein structure and function are either unavailable or do not agree on the potential impact of this missense change (SIFT: "Deleterious"; PolyPhen-2: "Possibly Damaging"; Align-GVGD: "Class C0"). In summary, the available evidence is currently insufficient to determine the role of this variant in disease. Therefore, it has been classified as a Variant of Uncertain Significance.